The following is an entry in ClinVar:

NM_001023.4(RPS20):c.35A>G (p.Glu12Gly)

Gene: RPS20 (ribosomal protein S20; minus strand). Cytogenetic location: 8q12.1.
Variant type: single nucleotide variant.
Coding change: c.35A>G on transcript NM_001023.4 (MANE Select); coding-DNA position 35, A replaced by G.
Protein change: p.Glu12Gly; replaces glutamic acid 12 with glycine.
Molecular consequence: missense variant.
Genome position (GRCh38, 1-based): chr8:56,074,128, T>C on the plus strand (A>G on the coding strand, the complement: RPS20 is on the minus strand). VCF-style: chr8-56074128-T-C. GRCh37 (hg19) VCF-style: chr8-56986687-T-C.
Other names: c.35A>G, p.Glu12Gly (NM_001146227.3); short protein forms E12G.
Identifiers: ClinVar variation 1733060 (VCV001733060.3), dbSNP rs2486985500, ClinGen allele CA371284015.

ClinVar aggregate classification (germline): Uncertain significance (1 of 4 stars; one submission).

Submission:

Ambry Genetics
Classification: Uncertain significance. Last evaluated: 2024-04-10. Review status: criteria provided, single submitter. Criteria: Ambry Variant Classification Scheme 2023. Collection method: clinical testing. Allele origin: germline.
Comment: The p.E12G variant (also known as c.35A>G), located in coding exon 2 of the RPS20 gene, results from an A to G substitution at nucleotide position 35. The glutamic acid at codon 12 is replaced by glycine, an amino acid with similar properties. This amino acid position is conserved. In addition, the in silico prediction for this alteration is inconclusive. Since supporting evidence is limited at this time, the clinical significance of this alteration remains unclear.